The following is an entry in ClinVar:

ClinVar aggregate classification (germline): Likely benign. Review status: criteria provided, single submitter (1 of 4 stars). 2 submissions from 2 submitters: Likely benign (1). 1 of the submissions does not count toward it. Last evaluated 2026-01-12.

Conditions:
COL7A1-related disorder. Also called: COL7A1-related condition; COL7A1- related disorders.

Allele frequency attached by ClinVar (database versions not stated): TOPMed 0.00002; ExAC 0.00003; gnomAD exomes 0.00003 and 0.00001; gnomAD 0.00001.
gnomAD v4.1: 21 of 1,613,264 alleles (0.0013%); highest among the groups gnomAD compares: South Asian, 0.0033%; no homozygotes.

Submissions (2):

Labcorp Genetics (formerly Invitae), Labcorp
Classification: Likely benign. Last evaluated: 2026-01-12. Review status: criteria provided, single submitter. Criteria: Invitae Variant Classification Sherloc (09022015). Collection method: clinical testing. Allele origin: germline.

PreventionGenetics, part of Exact Sciences
Classification: Likely benign for COL7A1-related condition. Last evaluated: 2019-03-05. Review status: no assertion criteria provided. Collection method: clinical testing. Allele origin: germline. Not counted in ClinVar's aggregate classification.
Comment: This variant is classified as likely benign based on ACMG/AMP sequence variant interpretation guidelines (Richards et al. 2015 PMID: 25741868, with internal and published modifications).

NM_000094.4(COL7A1):c.4521G>C (p.Gly1507=)

Gene: COL7A1 (collagen type VII alpha 1 chain; minus strand). Cytogenetic location: 3p21.31.
Variant type: single nucleotide variant.
Coding change: c.4521G>C on transcript NM_000094.4 (MANE Select); coding-DNA position 4521, G replaced by C.
Protein change: p.Gly1507=; no amino-acid change (glycine 1507 retained).
Molecular consequence: synonymous variant.
Genome position (GRCh38, 1-based): chr3:48,582,651, C>G on the plus strand (G>C on the coding strand, the complement: COL7A1 is on the minus strand). VCF-style: chr3-48582651-C-G. GRCh37 (hg19) VCF-style: chr3-48620084-C-G.
Identifiers: ClinVar variation 763422 (VCV000763422.11), dbSNP rs747087195, ClinGen allele CA2379966.